The following is an entry in ClinVar:

NM_006361.6(HOXB13):c.776A>G (p.Gln259Arg)

Gene: HOXB13 (homeobox B13; minus strand). Cytogenetic location: 17q21.32.
Variant type: single nucleotide variant.
Coding change: c.776A>G on transcript NM_006361.6 (MANE Select); coding-DNA position 776, A replaced by G.
Protein change: p.Gln259Arg; replaces glutamine 259 with arginine.
Molecular consequence: missense variant.
Genome position (GRCh38, 1-based): chr17:48,726,869, T>C on the plus strand (A>G on the coding strand, the complement: HOXB13 is on the minus strand). VCF-style: chr17-48726869-T-C. GRCh37 (hg19) VCF-style: chr17-46804231-T-C.
Other names: short protein forms Q259R.
Identifiers: ClinVar variation 1034876 (VCV001034876.12), dbSNP rs1597932564, ClinGen allele CA400105827.

ClinVar aggregate classification (germline): Uncertain significance. Review status: criteria provided, multiple submitters, no conflicts (2 of 4 stars). 2 submissions from 2 submitters: Uncertain significance (2). Last evaluated 2026-01-26.

Conditions:
Hereditary cancer-predisposing syndrome. Also called: Hereditary neoplastic syndrome; Neoplastic Syndromes, Hereditary; Tumor predisposition; Hereditary Cancer Syndrome. Identifiers: Orphanet 140162, MedGen C0027672, MeSH D009386, MONDO:0015356.

Submissions (2):

Labcorp Genetics (formerly Invitae), Labcorp
Classification: Uncertain significance. Last evaluated: 2026-01-26. Review status: criteria provided, single submitter. Criteria: Invitae Variant Classification Sherloc (09022015). Collection method: clinical testing. Allele origin: germline.
Comment: This sequence change replaces glutamine, which is neutral and polar, with arginine, which is basic and polar, at codon 259 of the HOXB13 protein (p.Gln259Arg). This variant is not present in population databases (gnomAD no frequency). This variant has not been reported in the literature in individuals affected with HOXB13-related conditions. ClinVar contains an entry for this variant (Variation ID: 1034876). Invitae Evidence Modeling of protein sequence and biophysical properties (such as structural, functional, and spatial information, amino acid conservation, physicochemical variation, residue mobility, and thermodynamic stability) indicates that this missense variant is not expected to disrupt HOXB13 protein function with a negative predictive value of 80%. In summary, the available evidence is currently insufficient to determine the role of this variant in disease. Therefore, it has been classified as a Variant of Uncertain Significance.

Ambry Genetics
Classification: Uncertain significance for Hereditary cancer-predisposing syndrome. Last evaluated: 2024-09-08. Review status: criteria provided, single submitter. Criteria: Ambry Variant Classification Scheme 2023. Collection method: clinical testing. Allele origin: germline.
Comment: The p.Q259R variant (also known as c.776A>G), located in coding exon 2 of the HOXB13 gene, results from an A to G substitution at nucleotide position 776. The glutamine at codon 259 is replaced by arginine, an amino acid with highly similar properties. This amino acid position is conserved. In addition, this alteration is predicted to be deleterious by in silico analysis. Since supporting evidence is limited at this time, the clinical significance of this alteration remains unclear.